The following is an entry in ClinVar:

NM_001851.6(COL9A1):c.1246C>A (p.Pro416Thr)

Gene: COL9A1 (collagen type IX alpha 1 chain; minus strand). Cytogenetic location: 6q13.
Variant type: single nucleotide variant.
Coding change: c.1246C>A on transcript NM_001851.6 (MANE Select); coding-DNA position 1246, C replaced by A.
Protein change: p.Pro416Thr; replaces proline 416 with threonine.
Molecular consequence: missense variant. On other transcripts: non-coding transcript variant (1).
Genome position (GRCh38, 1-based): chr6:70,268,845, G>T on the plus strand (C>A on the coding strand, the complement: COL9A1 is on the minus strand). VCF-style: chr6-70268845-G-T. GRCh37 (hg19) VCF-style: chr6-70978548-G-T.
Other names: c.517C>A, p.Pro173Thr (NM_001377289.1, NM_001377290.1, NM_078485.4); short protein forms P173T, P416T.
Identifiers: ClinVar variation 3700318 (VCV003700318.1).
Genomic context (GRCh38, chr6:70,268,845, plus strand): 5'-CTGGAAGTTATTCTCTTACCCTCATGCCTGGTAGGCCTGGATATCCTGAGCGACCTGGTG[G>T]ACAGGCATTGGGACACTGCCAGGGAGAGAGGGAACAAAGAGAAAGAAAGACAGACAGAGT-3'
Protein context (NP_001842.3, residues 406-426): DGDPLCPNAC[Pro416Thr]PGRSGYPGLP

ClinVar aggregate classification (germline): Uncertain significance (1 of 4 stars; one submission).

gnomAD v4.1: 16 of 1,613,756 alleles (0.00099%); highest among the groups gnomAD compares: Middle Eastern, 0.016%; no homozygotes.

Submission:

Labcorp Genetics (formerly Invitae), Labcorp
Classification: Uncertain significance. Last evaluated: 2024-10-17. Review status: criteria provided, single submitter. Criteria: Invitae Variant Classification Sherloc (09022015). Collection method: clinical testing. Allele origin: germline.
Comment: This sequence change replaces proline, which is neutral and non-polar, with threonine, which is neutral and polar, at codon 416 of the COL9A1 protein (p.Pro416Thr). The frequency data for this variant in the population databases is considered unreliable, as metrics indicate poor data quality at this position in the gnomAD database. This variant has not been reported in the literature in individuals affected with COL9A1-related conditions. Invitae Evidence Modeling of protein sequence and biophysical properties (such as structural, functional, and spatial information, amino acid conservation, physicochemical variation, residue mobility, and thermodynamic stability) indicates that this missense variant is not expected to disrupt COL9A1 protein function with a negative predictive value of 95%. In summary, the available evidence is currently insufficient to determine the role of this variant in disease. Therefore, it has been classified as a Variant of Uncertain Significance.